The following is an entry in ClinVar:

ClinVar aggregate classification (germline): Uncertain significance. Review status: criteria provided, multiple submitters, no conflicts (2 of 4 stars). 6 submissions from 3 submitters: Uncertain significance (6). Last evaluated 2025-12-15.

Conditions:
Hypokalemic periodic paralysis, type 1. Also called: Hypokalemic Periodic Paralysis Type 1 (AD); HypoPP. Identifiers: Orphanet 681, MedGen C3714580, MONDO:0042979, OMIM 170400.
Malignant hyperthermia, susceptibility to, 5 (MHS5). Also called: CACNA1S-Related Malignant Hyperthermia Susceptibility. Identifiers: Orphanet 423, MedGen C1866077, MONDO:0011163, OMIM 601887.
Thyrotoxic periodic paralysis, susceptibility to, 1 (TTPP1). Identifiers: Orphanet 79102, MedGen C2749982, MONDO:0008570, OMIM 188580.
Congenital myopathy 18. Also called: DIHYDROPYRIDINE RECEPTOR CONGENITAL MYOPATHY; DHPR CONGENITAL MYOPATHY; Myopathy, congenital, due to dihydropyridine receptor defect. Identifiers: MedGen C5830283, MONDO:0859514, OMIM 620246.
Inborn genetic diseases. Identifiers: MedGen C0950123, MeSH D030342.

Allele frequency attached by ClinVar (database versions not stated): gnomAD exomes below 0.00001; TOPMed 0.00001.
gnomAD v4.1: 2 of 1,614,138 alleles (0.00012%); highest among the groups gnomAD compares: Non-Finnish European, 0.00017%; no homozygotes.

Submissions (6):

Labcorp Genetics (formerly Invitae), Labcorp
Classification: Uncertain significance for Hypokalemic periodic paralysis, type 1; Malignant hyperthermia, susceptibility to, 5. Last evaluated: 2025-12-15. Review status: criteria provided, single submitter. Criteria: Invitae Variant Classification Sherloc (09022015). Collection method: clinical testing. Allele origin: germline.
Comment: This sequence change replaces glutamic acid, which is acidic and polar, with lysine, which is basic and polar, at codon 1693 of the CACNA1S protein (p.Glu1693Lys). This variant is not present in population databases (gnomAD no frequency). This variant has not been reported in the literature in individuals affected with CACNA1S-related conditions. ClinVar contains an entry for this variant (Variation ID: 2048532). Invitae Evidence Modeling of protein sequence and biophysical properties (such as structural, functional, and spatial information, amino acid conservation, physicochemical variation, residue mobility, and thermodynamic stability) indicates that this missense variant is not expected to disrupt CACNA1S protein function with a negative predictive value of 95%. In summary, the available evidence is currently insufficient to determine the role of this variant in disease. Therefore, it has been classified as a Variant of Uncertain Significance.

Genome-Nilou Lab
Classification: Uncertain significance for Malignant hyperthermia, susceptibility to, 5. Last evaluated: 2023-04-11. Review status: criteria provided, single submitter. Criteria: ACMG Guidelines, 2015. Collection method: clinical testing. Allele origin: germline. Affected: no.

Genome-Nilou Lab
Classification: Uncertain significance for Thyrotoxic periodic paralysis, susceptibility to, 1. Last evaluated: 2023-04-11. Review status: criteria provided, single submitter. Criteria: ACMG Guidelines, 2015. Collection method: clinical testing. Allele origin: germline. Affected: no.

Genome-Nilou Lab
Classification: Uncertain significance for Congenital myopathy 18. Last evaluated: 2023-04-11. Review status: criteria provided, single submitter. Criteria: ACMG Guidelines, 2015. Collection method: clinical testing. Allele origin: germline. Affected: no.

Genome-Nilou Lab
Classification: Uncertain significance for Hypokalemic periodic paralysis, type 1. Last evaluated: 2023-04-11. Review status: criteria provided, single submitter. Criteria: ACMG Guidelines, 2015. Collection method: clinical testing. Allele origin: germline. Affected: no.

Ambry Genetics
Classification: Uncertain significance for Inborn genetic diseases. Last evaluated: 2022-11-17. Review status: criteria provided, single submitter. Criteria: Ambry Variant Classification Scheme 2023. Collection method: clinical testing. Allele origin: germline.

NM_000069.3(CACNA1S):c.5077G>A (p.Glu1693Lys)

Gene: CACNA1S (calcium voltage-gated channel subunit alpha1 S; minus strand). Cytogenetic location: 1q32.1.
Variant type: single nucleotide variant.
Coding change: c.5077G>A on transcript NM_000069.3 (MANE Select); coding-DNA position 5077, G replaced by A.
Protein change: p.Glu1693Lys; replaces glutamic acid 1693 with lysine.
Molecular consequence: missense variant.
Genome position (GRCh38, 1-based): chr1:201,041,561, C>T on the plus strand (G>A on the coding strand, the complement: CACNA1S is on the minus strand). VCF-style: chr1-201041561-C-T. GRCh37 (hg19) VCF-style: chr1-201010689-C-T.
Other names: short protein forms E1693K.
Identifiers: ClinVar variation 2048532 (VCV002048532.6), dbSNP rs1660208553, ClinGen allele CA344133437.